The following is an entry in ClinVar:

NM_001376013.1(EPB41):c.487A>G (p.Arg163Gly)

Gene: EPB41 (erythrocyte membrane protein band 4.1; plus strand). Cytogenetic location: 1p35.3.
Variant type: single nucleotide variant.
Coding change: c.487A>G on transcript NM_001376013.1 (MANE Select); coding-DNA position 487, A replaced by G.
Protein change: p.Arg163Gly; replaces arginine 163 with glycine.
Molecular consequence: missense variant. On other transcripts: 5 prime UTR variant (10).
Genome position (GRCh38, 1-based): chr1:28,993,348, A>G. VCF-style: chr1-28993348-A-G. GRCh37 (hg19) VCF-style: chr1-29319860-A-G.
Other names: c.487A>G, p.Arg163Gly (NM_001166005.2, NM_001166006.2, NM_001376014.1 and 8 more transcripts); c.-141A>G (NM_001166007.2, NM_001376022.1, NM_001376023.1 and 7 more transcripts); short protein forms R163G.
Identifiers: ClinVar variation 3766905 (VCV003766905.1).

ClinVar aggregate classification (germline): Uncertain significance (1 of 4 stars; one submission).

Conditions:
Elliptocytosis 1 (EL1). Also called: 4.1- TRAIT; 4.1-MINUS TRAIT; ELLIPTOCYTOSIS, RHESUS-LINKED TYPE; PROTEIN 4.1 OF ERYTHROCYTE MEMBRANE, DEFECT OF. Identifiers: Orphanet 288, MedGen C2678497, MONDO:0012731, OMIM 611804.

gnomAD v4.1: 1 of 1,612,904 alleles (0.000062%); highest among the groups gnomAD compares: Admixed American, 0.0017%; no homozygotes.

Submission:

ARUP Laboratories, Molecular Genetics and Genomics, ARUP Laboratories
Classification: Uncertain significance for Elliptocytosis 1. Last evaluated: 2024-10-17. Review status: criteria provided, single submitter. Criteria: ARUP Molecular Germline Variant Investigation Process 2024. Collection method: clinical testing. Allele origin: germline.
Comment: The EPB41 c.487A>G; p.Arg163Gly variant (rs775969811), also known as c.-141A>G for NM_004437.4, to our knowledge, is not reported in the medical literature or gene specific databases. This variant is only observed on one allele in the Genome Aggregation Database (v2.1.1), indicating it is not a common polymorphism. Computational analyses are uncertain whether this variant is neutral or deleterious (REVEL: 0.22). Due to limited information, the clinical significance of this variant is uncertain at this time.